The following is an entry in ClinVar:

NM_000531.6(OTC):c.488T>G (p.Leu163Arg)

Gene: OTC (ornithine transcarbamylase; plus strand). Cytogenetic location: Xp11.4.
Variant type: single nucleotide variant.
Coding change: c.488T>G on transcript NM_000531.6 (MANE Select); coding-DNA position 488, T replaced by G.
Protein change: p.Leu163Arg; replaces leucine 163 with arginine.
Molecular consequence: missense variant.
Genome position (GRCh38, 1-based): chrX:38,401,376, T>G. VCF-style: chrX-38401376-T-G. GRCh37 (hg19) VCF-style: chrX-38260629-T-G.
Other names: short protein forms L163R.
Identifiers: ClinVar variation 870317 (VCV000870317.2), dbSNP rs2068486155, ClinGen allele CA412723664.

ClinVar aggregate classification (germline): Pathogenic (0 of 4 stars; one submission).

Conditions:
Ornithine carbamoyltransferase deficiency (OTCD). Also called: OTC DEFICIENCY; Ornithine Carbamoyltransferase Deficiency Disease; ORNITHINE TRANSCARBAMYLASE DEFICIENCY; ORNITHINE TRANSCARBAMYLASE DEFICIENCY, HYPERAMMONEMIA DUE TO. Identifiers: Orphanet 664, MedGen C0268542, MONDO:0010703, OMIM 311250.

Submission:

Molecular Genetics laboratory, Necker Hospital
Classification: Pathogenic for Ornithine carbamoyltransferase deficiency. Review status: no assertion criteria provided. Collection method: clinical testing. Allele origin: de novo. Inheritance: X-linked inheritance. Affected: yes.